The following is an entry in ClinVar:

NM_000435.3(NOTCH3):c.1782C>T (p.Gly594=)

Gene: NOTCH3 (notch receptor 3; minus strand). Cytogenetic location: 19p13.12.
Variant type: single nucleotide variant.
Coding change: c.1782C>T on transcript NM_000435.3 (MANE Select); coding-DNA position 1782, C replaced by T.
Protein change: p.Gly594=; no amino-acid change (glycine 594 retained).
Molecular consequence: synonymous variant.
Genome position (GRCh38, 1-based): chr19:15,187,163, G>A on the plus strand (C>T on the coding strand, the complement: NOTCH3 is on the minus strand). VCF-style: chr19-15187163-G-A. GRCh37 (hg19) VCF-style: chr19-15297974-G-A.
Other names: p.Gly594=.
Identifiers: ClinVar variation 256123 (VCV000256123.31), dbSNP rs35793356, ClinGen allele CA9263548.

ClinVar aggregate classification (germline): Benign/Likely benign. Review status: criteria provided, multiple submitters, no conflicts (2 of 4 stars). 10 submissions from 10 submitters: Benign (5); Likely benign (4). 1 of the submissions does not count toward it. Last evaluated 2026-01-19.

Conditions:
Cerebral arteriopathy with subcortical infarcts and leukoencephalopathy. Also called: Cerebral autosomal dominant arteriopathy with subcortical infarcts and leukoencephalopathy. Identifiers: MedGen C0751587, MONDO:0007432.
Cerebral arteriopathy, autosomal dominant, with subcortical infarcts and leukoencephalopathy, type 1 (CADASIL1). Also called: CASIL; Cerebral arteriopathy with subcortical infarcts and leukoencephalopathy 1; DEMENTIA, HEREDITARY MULTIINFARCT TYPE; CADASIL 1. Identifiers: Orphanet 136, MedGen C4551768, MONDO:0000914, OMIM 125310.
Myofibromatosis, infantile, 2. Identifiers: Orphanet 2591, MedGen C3809084, MONDO:0014122, OMIM 615293.
Lateral meningocele syndrome (LMNS). Also called: NOTCH3-Related Lateral Meningocele Syndrome. Identifiers: Orphanet 2789, MedGen C1851710, MONDO:0007537, OMIM 130720.

Allele frequency attached by ClinVar (database versions not stated): gnomAD exomes 0.00119 and 0.00304; ExAC 0.00355; gnomAD 0.01152 and 0.01231; ESP Exome Variant Server 0.01276; TOPMed 0.01288; 1000 Genomes Project 30x 0.01405; 1000 Genomes Project 0.01438.

Submissions (10):

Labcorp Genetics (formerly Invitae), Labcorp
Classification: Benign. Last evaluated: 2026-01-19. Review status: criteria provided, single submitter. Criteria: Invitae Variant Classification Sherloc (09022015). Collection method: clinical testing. Allele origin: germline.

ARUP Laboratories, Molecular Genetics and Genomics, ARUP Laboratories
Classification: Benign. Last evaluated: 2025-05-21. Review status: criteria provided, single submitter. Criteria: ARUP Molecular Germline Variant Investigation Process 2024. Collection method: clinical testing. Allele origin: germline.

Blueprint Genetics
Classification: Likely benign. Last evaluated: 2024-11-27. Review status: criteria provided, single submitter. Criteria: ACMG Guidelines, 2015. Collection method: clinical testing. Allele origin: germline.

Mayo Clinic Laboratories, Mayo Clinic
Classification: Benign. Last evaluated: 2024-09-19. Review status: criteria provided, single submitter. Criteria: ACMG Guidelines, 2015. Collection method: clinical testing. Allele origin: germline. Observed: 44 variant alleles.
Comment: BA1, BS2, BP4, BP7

Fulgent Genetics
Classification: Likely benign for Cerebral arteriopathy, autosomal dominant, with subcortical infarcts and leukoencephalopathy, type 1; Lateral meningocele syndrome; Myofibromatosis, infantile, 2. Last evaluated: 2021-12-01. Review status: criteria provided, single submitter. Criteria: ACMG Guidelines, 2015. Collection method: clinical testing. Allele origin: unknown.

GeneDx
Classification: Likely benign. Last evaluated: 2021-05-05. Review status: criteria provided, single submitter. Criteria: GeneDx Variant Classification Process June 2021. Collection method: clinical testing. Allele origin: germline. Affected: yes.

Illumina Laboratory Services, Illumina
Classification: Benign for Cerebral arteriopathy, autosomal dominant, with subcortical infarcts and leukoencephalopathy, type 1. Last evaluated: 2018-01-13. Review status: criteria provided, single submitter. Criteria: ICSL Variant Classification Criteria 13 December 2019. Collection method: clinical testing. Allele origin: germline.
Comment: This variant was observed in the ICSL laboratory as part of a predisposition screen in an ostensibly healthy population. It had not been previously curated by ICSL or reported in the Human Gene Mutation Database (HGMD: prior to June 1st, 2018), and was therefore a candidate for classification through an automated scoring system. Utilizing variant allele frequency, disease prevalence and penetrance estimates, and inheritance mode, an automated score was calculated to assess if this variant is too frequent to cause the disease. Based on the score and internal cut-off values, a variant classified as benign is not then subjected to further curation. The score for this variant resulted in a classification of benign for this disease.

Breakthrough Genomics
Classification: Likely benign. Review status: criteria provided, single submitter. Criteria: ACMG Guidelines, 2015. Collection method: not provided. Allele origin: germline. Inheritance: Autosomal dominant inheritance. Affected: yes.

PreventionGenetics, part of Exact Sciences
Classification: Benign. Review status: criteria provided, single submitter. Criteria: ACMG Guidelines, 2015. Collection method: clinical testing. Allele origin: germline.

Molecular Genetics Laboratory, BC Children's and BC Women's Hospitals
Classification: Benign for Cerebral arteriopathy with subcortical infarcts and leukoencephalopathy. Last evaluated: 2023-11-28. Review status: no assertion criteria provided. Criteria: ACMG Guidelines, 2015. Collection method: clinical testing. Allele origin: germline. Affected: yes. Not counted in ClinVar's aggregate classification.